The following is an entry in ClinVar:

NM_015274.3(MAN2B2):c.2799G>A (p.Val933=)

Genes: MAN2B2 (mannosidase alpha class 2B member 2; plus strand), MRFAP1-AS1 (MRFAP1 antisense RNA 1; minus strand). Cytogenetic location: 4p16.1.
Variant type: single nucleotide variant.
Coding change: c.2799G>A on transcript NM_015274.3 (MANE Select); coding-DNA position 2799, G replaced by A.
Protein change: p.Val933=; no amino-acid change (valine 933 retained).
Molecular consequence: synonymous variant.
Genome position (GRCh38, 1-based): chr4:6,617,477, G>A. VCF-style: chr4-6617477-G-A. GRCh37 (hg19) VCF-style: chr4-6619204-G-A.
Other names: p.Val933=; c.2646G>A, p.Val882= (NM_001292038.2).
Identifiers: ClinVar variation 2688058 (VCV002688058.4), dbSNP rs4689490, ClinGen allele CA2841484.

ClinVar aggregate classification (germline): Benign. Review status: criteria provided, multiple submitters, no conflicts (2 of 4 stars). 3 submissions from 3 submitters: Benign (3). Last evaluated 2026-01-21.

Allele frequency attached by ClinVar (database versions not stated): 1000 Genomes Project 30x 0.68114; 1000 Genomes Project 0.68850; ESP Exome Variant Server 0.70237; TOPMed 0.70600; gnomAD 0.72231; ExAC 0.80988.
gnomAD v4.1: 1,361,812 of 1,613,768 alleles (84%); highest among the groups gnomAD compares: Non-Finnish European, 88%; 586,622 homozygotes.

Submissions (3):

Women's Health and Genetics/Laboratory Corporation of America, LabCorp
Classification: Benign. Last evaluated: 2026-01-21. Review status: criteria provided, single submitter. Criteria: LabCorp Variant Classification Summary - May 2015. Collection method: clinical testing. Allele origin: germline.

Unidad de Genómica Garrahan, Hospital de Pediatría Garrahan
Classification: Benign. Last evaluated: 2024-01-24. Review status: criteria provided, single submitter. Criteria: ACMG Guidelines, 2015. Collection method: clinical testing. Allele origin: germline. Affected: no. Observed: 95 variant alleles.
Comment: This variant is classified as Benign based on local population frequency. This variant was detected in 100% of patients studied by a panel of primary immunodeficiencies. Number of patients: 95. Only high quality variants are reported.

Mayo Clinic Laboratories, Mayo Clinic
Classification: Benign. Last evaluated: 2022-04-14. Review status: criteria provided, single submitter. Criteria: ACMG Guidelines, 2015. Collection method: clinical testing. Allele origin: germline. Observed: 25 variant alleles.